The following is an entry in ClinVar:

NM_004836.7(EIF2AK3):c.2414C>T (p.Ser805Leu)

Genes: EIF2AK3 (eukaryotic translation initiation factor 2 alpha kinase 3; minus strand), EIF2AK3-AS1 (EIF2AK3 antisense RNA 1; plus strand). Cytogenetic location: 2p11.2.
Variant type: single nucleotide variant.
Coding change: c.2414C>T on transcript NM_004836.7 (MANE Select); coding-DNA position 2414, C replaced by T.
Protein change: p.Ser805Leu; replaces serine 805 with leucine.
Molecular consequence: missense variant. On other transcripts: non-coding transcript variant (1).
Genome position (GRCh38, 1-based): chr2:88,575,069, G>A on the plus strand (C>T on the coding strand, the complement: EIF2AK3 is on the minus strand). VCF-style: chr2-88575069-G-A. GRCh37 (hg19) VCF-style: chr2-88874587-G-A.
Other names: c.1961C>T, p.Ser654Leu (NM_001313915.2); short protein forms S654L, S805L.
Identifiers: ClinVar variation 2985061 (VCV002985061.3), dbSNP rs1301049321, ClinGen allele CA347591502.

ClinVar aggregate classification (germline): Uncertain significance (1 of 4 stars; one submission).

Allele frequency attached by ClinVar (database versions not stated): TOPMed below 0.00001.

Submission:

Labcorp Genetics (formerly Invitae), Labcorp
Classification: Uncertain significance. Last evaluated: 2024-12-03. Review status: criteria provided, single submitter. Criteria: Invitae Variant Classification Sherloc (09022015). Collection method: clinical testing. Allele origin: germline.
Comment: This sequence change replaces serine, which is neutral and polar, with leucine, which is neutral and non-polar, at codon 805 of the EIF2AK3 protein (p.Ser805Leu). This variant is not present in population databases (gnomAD no frequency). This variant has not been reported in the literature in individuals affected with EIF2AK3-related conditions. ClinVar contains an entry for this variant (Variation ID: 2985061). An algorithm developed to predict the effect of missense changes on protein structure and function (PolyPhen-2) suggests that this variant is likely to be disruptive. In summary, the available evidence is currently insufficient to determine the role of this variant in disease. Therefore, it has been classified as a Variant of Uncertain Significance.